The following is an entry in ClinVar:

NM_001408.3(CELSR2):c.732C>T (p.Ala244=)

Gene: CELSR2 (cadherin EGF LAG seven-pass G-type receptor 2; plus strand). Cytogenetic location: 1p13.3.
Variant type: single nucleotide variant.
Coding change: c.732C>T on transcript NM_001408.3 (MANE Select); coding-DNA position 732, C replaced by T.
Protein change: p.Ala244=; no amino-acid change (alanine 244 retained).
Molecular consequence: synonymous variant.
Genome position (GRCh38, 1-based): chr1:109,250,811, C>T. VCF-style: chr1-109250811-C-T. GRCh37 (hg19) VCF-style: chr1-109793433-C-T.
Identifiers: ClinVar variation 732400 (VCV000732400.34), dbSNP rs147986274, ClinGen allele CA986440.

ClinVar aggregate classification (germline): Benign/Likely benign. Review status: criteria provided, multiple submitters, no conflicts (2 of 4 stars). 4 submissions from 4 submitters: Benign (2); Likely benign (2). Last evaluated 2025-07-04.

Allele frequency attached by ClinVar (database versions not stated): ESP Exome Variant Server 0.00054; gnomAD 0.00056 and 0.00066; gnomAD exomes 0.00062 and 0.00112; TOPMed 0.00073; ExAC 0.00108; 1000 Genomes Project 0.00120; 1000 Genomes Project 30x 0.00141.
gnomAD v4.1: 1,056 of 1,614,058 alleles (0.065%); highest among the groups gnomAD compares: Middle Eastern, 0.51%; 5 homozygotes.

Submissions (4):

Labcorp Genetics (formerly Invitae), Labcorp
Classification: Benign. Last evaluated: 2025-07-04. Review status: criteria provided, single submitter. Criteria: Invitae Variant Classification Sherloc (09022015). Collection method: clinical testing. Allele origin: germline.

Blueprint Genetics
Classification: Likely benign. Last evaluated: 2024-11-22. Review status: criteria provided, single submitter. Criteria: ACMG Guidelines, 2015. Collection method: clinical testing. Allele origin: germline.

CeGaT Center for Human Genetics Tuebingen
Classification: Likely benign. Last evaluated: 2024-01-01. Review status: criteria provided, single submitter. Criteria: CeGaT Center For Human Genetics Tuebingen Variant Classification Criteria Version 2. Collection method: clinical testing. Allele origin: germline. Affected: yes. Observed: 2 variant alleles.
Comment: CELSR2: BP4, BP7

Breakthrough Genomics
Classification: Benign. Review status: criteria provided, single submitter. Criteria: ACMG Guidelines, 2015. Collection method: not provided. Allele origin: germline. Inheritance: Unknown mechanism. Affected: yes.